The following is an entry in ClinVar:

NM_001039141.3(TRIOBP):c.6415C>T (p.Arg2139Cys)

Gene: TRIOBP (TRIO and F-actin binding protein; plus strand). Cytogenetic location: 22q13.1.
Variant type: single nucleotide variant.
Coding change: c.6415C>T on transcript NM_001039141.3 (MANE Select); coding-DNA position 6415, C replaced by T.
Protein change: p.Arg2139Cys; replaces arginine 2139 with cysteine.
Molecular consequence: missense variant.
Genome position (GRCh38, 1-based): chr22:37,765,760, C>T. VCF-style: chr22-37765760-C-T. GRCh37 (hg19) VCF-style: chr22-38161767-C-T.
Other names: c.1276C>T, p.Arg426Cys (NM_007032.5); c.6415C>T (NM_001039141.2); short protein forms R426C, R2139C.
Identifiers: ClinVar variation 2185188 (VCV002185188.6), dbSNP rs577402312, ClinGen allele CA10225021.
Genomic context (GRCh38, chr22:37,765,760, plus strand): 5'-GAGTCCTCGCACCAGCAGGTGATGGAGGAGCTGCAGCGGCACCACGAGCGGGAGCTGCAG[C>T]GCCTGCAGCAGGAGAAGGAGTGGCTCCTGGCTGAGGAGACGGCAGCCACGGCCTCAGGTA-3'
Protein context (NP_001034230.1, residues 2129-2149): LQRHHERELQ[Arg2139Cys]LQQEKEWLLA

ClinVar aggregate classification (germline): Uncertain significance. Review status: criteria provided, multiple submitters, no conflicts (2 of 4 stars). 2 submissions from 2 submitters: Uncertain significance (2). Last evaluated 2024-05-30.

Allele frequency attached by ClinVar (database versions not stated): TOPMed 0.00001; ExAC 0.00003; gnomAD exomes 0.00004.
gnomAD v4.1: 50 of 1,582,092 alleles (0.0032%); highest among the groups gnomAD compares: Admixed American, 0.0072%; no homozygotes.

Submissions (2):

GeneDx
Classification: Uncertain significance. Last evaluated: 2024-05-30. Review status: criteria provided, single submitter. Criteria: GeneDx Variant Classification Process June 2021. Collection method: clinical testing. Allele origin: germline.
Comment: In silico analysis supports that this missense variant has a deleterious effect on protein structure/function; Has not been previously published as pathogenic or benign to our knowledge

Labcorp Genetics (formerly Invitae), Labcorp
Classification: Uncertain significance. Last evaluated: 2022-03-01. Review status: criteria provided, single submitter. Criteria: Invitae Variant Classification Sherloc (09022015). Collection method: clinical testing. Allele origin: germline.
Comment: In summary, the available evidence is currently insufficient to determine the role of this variant in disease. Therefore, it has been classified as a Variant of Uncertain Significance. Algorithms developed to predict the effect of missense changes on protein structure and function are either unavailable or do not agree on the potential impact of this missense change (SIFT: "Tolerated"; PolyPhen-2: "Probably Damaging"; Align-GVGD: "Class C0"). This missense change has been observed in individual(s) with deafness (Invitae). The frequency data for this variant in the population databases is considered unreliable, as metrics indicate poor data quality at this position in the gnomAD database. This sequence change replaces arginine, which is basic and polar, with cysteine, which is neutral and slightly polar, at codon 2139 of the TRIOBP protein (p.Arg2139Cys).